The following is an entry in ClinVar:

NM_001999.4(FBN2):c.4779C>T (p.Cys1593=)

Gene: FBN2 (fibrillin 2; minus strand). Cytogenetic location: 5q23.3.
Variant type: single nucleotide variant.
Coding change: c.4779C>T on transcript NM_001999.4 (MANE Select); coding-DNA position 4779, C replaced by T.
Protein change: p.Cys1593=; no amino-acid change (cysteine 1593 retained).
Molecular consequence: synonymous variant.
Genome position (GRCh38, 1-based): chr5:128,312,734, G>A on the plus strand (C>T on the coding strand, the complement: FBN2 is on the minus strand). VCF-style: chr5-128312734-G-A. GRCh37 (hg19) VCF-style: chr5-127648426-G-A.
Identifiers: ClinVar variation 796421 (VCV000796421.44), dbSNP rs780191346, ClinGen allele CA3394857.

ClinVar aggregate classification (germline): Likely benign. Review status: criteria provided, multiple submitters, no conflicts (2 of 4 stars). 4 submissions from 4 submitters: Likely benign (4). Last evaluated 2025-05-08.

Conditions:
Familial thoracic aortic aneurysm and aortic dissection (TAAD). Also called: Thoracic aortic aneurysms and dissections. Identifiers: Orphanet 91387, MedGen C4707243, MONDO:0019625.
Congenital contractural arachnodactyly (CCA). Also called: Beals-Hecht syndrome; BEALS SYNDROME; Arthrogryposis, distal, type 9. Identifiers: Orphanet 115, MedGen C0220668, MONDO:0007363, OMIM 121050.

Allele frequency attached by ClinVar (database versions not stated): ExAC 0.00001; TOPMed 0.00001; gnomAD exomes 0.00002 and 0.00003.
gnomAD v4.1: 41 of 1,613,858 alleles (0.0025%); highest among the groups gnomAD compares: Non-Finnish European, 0.0035%; no homozygotes.

Submissions (4):

ARUP Laboratories, Molecular Genetics and Genomics, ARUP Laboratories
Classification: Likely benign. Last evaluated: 2025-05-08. Review status: criteria provided, single submitter. Criteria: ARUP Molecular Germline Variant Investigation Process 2024. Collection method: clinical testing. Allele origin: germline.

Labcorp Genetics (formerly Invitae), Labcorp
Classification: Likely benign for Congenital contractural arachnodactyly. Last evaluated: 2025-05-07. Review status: criteria provided, single submitter. Criteria: Invitae Variant Classification Sherloc (09022015). Collection method: clinical testing. Allele origin: germline.

CeGaT Center for Human Genetics Tuebingen
Classification: Likely benign. Last evaluated: 2023-08-01. Review status: criteria provided, single submitter. Criteria: CeGaT Center For Human Genetics Tuebingen Variant Classification Criteria Version 2. Collection method: clinical testing. Allele origin: germline. Affected: yes. Observed: 1 variant allele.
Comment: FBN2: BP4

Ambry Genetics
Classification: Likely benign for Familial thoracic aortic aneurysm and aortic dissection. Last evaluated: 2023-01-13. Review status: criteria provided, single submitter. Criteria: Ambry Variant Classification Scheme 2023. Collection method: clinical testing. Allele origin: germline.